The following is an entry in ClinVar:

ClinVar aggregate classification (germline): Likely pathogenic (1 of 4 stars; one submission).

Conditions:
Juvenile polyposis syndrome (JPS). Identifiers: Orphanet 2929, MedGen C0345893, MONDO:0017380, OMIM 174900.

Submission:

Institute of Human Genetics, University of Leipzig Medical Center
Classification: Likely pathogenic for Juvenile polyposis syndrome. Last evaluated: 2023-09-25. Review status: criteria provided, single submitter. Criteria: ACMG Guidelines, 2015. Collection method: clinical testing. Allele origin: unknown. Inheritance: Autosomal dominant inheritance. Affected: yes.
Comment: Criteria applied: PVS1,PM2_SUP

NM_004329.3(BMPR1A):c.431-2A>T

Gene: BMPR1A (bone morphogenetic protein receptor type 1A; plus strand). Cytogenetic location: 10q23.2.
Variant type: single nucleotide variant.
Coding change: c.431-2A>T on transcript NM_004329.3 (MANE Select); the canonical splice acceptor site of the intron before coding-DNA position 431, A replaced by T.
Molecular consequence: splice acceptor variant. On other transcripts: intron variant (1).
Genome position (GRCh38, 1-based): chr10:86,900,025, A>T. VCF-style: chr10-86900025-A-T. GRCh37 (hg19) VCF-style: chr10-88659782-A-T.
Other names: c.431-2A>T (NM_001406562.1, NM_001406568.1, NM_001406567.1 and 22 more transcripts); c.347-2A>T (NM_001406584.1, NM_001406588.1, NM_001406587.1 and 2 more transcripts); c.333+7796A>T (NM_001406589.1).
Identifiers: ClinVar variation 2627612 (VCV002627612.2), dbSNP rs2539493276, ClinGen allele CA377450014.
Genomic context (GRCh38, chr10:86,900,025, plus strand): 5'-AATTGAACACGTCAGATTATTTTTTCATTTCAATTGTTTACATTGTTTACTTTTATTGTC[A>T]GGTCCGTTTTTTGATGGCAGCATTCGATGGCTGGTTTTGCTCATTTCTATGGCTGTCTGC-3'